The following is an entry in ClinVar:

ClinVar aggregate classification (germline): Likely benign (1 of 4 stars; one submission).

Conditions:
ZFYVE19-related disorder. Also called: ZFYVE19-related condition.

gnomAD v4.1: 1,099 of 1,558,852 alleles (0.071%); highest among the groups gnomAD compares: Non-Finnish European, 0.088%; 2 homozygotes.

Submission:

PreventionGenetics, part of Exact Sciences
Classification: Likely benign for ZFYVE19-related condition. Last evaluated: 2026-02-03. Review status: criteria provided, single submitter. Criteria: ACMG Guidelines, 2015. Collection method: clinical testing. Allele origin: germline.
Comment: This variant is classified as likely benign based on ACMG/AMP sequence variant interpretation guidelines (Richards et al. 2015 PMID: 25741868, with internal and published modifications).

NM_001077268.2(ZFYVE19):c.819A>C (p.Gly273=)

Gene: ZFYVE19 (zinc finger FYVE-type containing 19; plus strand). Cytogenetic location: 15q15.1.
Variant type: single nucleotide variant.
Coding change: c.819A>C on transcript NM_001077268.2 (MANE Select); coding-DNA position 819, A replaced by C.
Protein change: p.Gly273=; no amino-acid change (glycine 273 retained).
Molecular consequence: synonymous variant.
Genome position (GRCh38, 1-based): chr15:40,810,750, A>C. VCF-style: chr15-40810750-A-C. GRCh37 (hg19) VCF-style: chr15-41102948-A-C.
Other names: c.819A>C, p.Gly273= (NM_001258420.2); c.294A>C, p.Gly98= (NM_001258421.2); c.789A>C, p.Gly263= (NM_032850.5).
Identifiers: ClinVar variation 4990802 (VCV004990802.1).
Genomic context (GRCh38, chr15:40,810,750, plus strand): 5'-ACAGGATCTGCTAACGCAGCTGGCAGCTGAGGTGGCTATCGATGAAAGCTGGAAAGGAGG[A>C]GGCCCAGGTAACCCCTCCACTTGGCTCCCTAGGAATCTGCCCTACCTCTTTCCCCAGACT-3'
Protein context (NP_001070736.1, residues 263-283): EVAIDESWKG[Gly273=]GPAASLQNDL